The following is an entry in ClinVar:

ClinVar aggregate classification (germline): Likely benign (0 of 4 stars; one submission).

Conditions:
AFF4-related disorder. Also called: AFF4-related condition.

gnomAD v4.1: 1 of 1,613,920 alleles (0.000062%); highest among the groups gnomAD compares: Non-Finnish European, 0.000085%; no homozygotes.

Submission:

PreventionGenetics, part of Exact Sciences
Classification: Likely benign for AFF4-related condition. Last evaluated: 2021-10-25. Review status: no assertion criteria provided. Collection method: clinical testing. Allele origin: germline.
Comment: This variant is classified as likely benign based on ACMG/AMP sequence variant interpretation guidelines (Richards et al. 2015 PMID: 25741868, with internal and published modifications).

NM_014423.4(AFF4):c.2877T>C (p.Asn959=)

Gene: AFF4 (ALF transcription elongation factor 4; minus strand). Cytogenetic location: 5q31.1.
Variant type: single nucleotide variant.
Coding change: c.2877T>C on transcript NM_014423.4 (MANE Select); coding-DNA position 2877, T replaced by C.
Protein change: p.Asn959=; no amino-acid change (asparagine 959 retained).
Molecular consequence: synonymous variant.
Genome position (GRCh38, 1-based): chr5:132,887,902, A>G on the plus strand (T>C on the coding strand, the complement: AFF4 is on the minus strand). VCF-style: chr5-132887902-A-G. GRCh37 (hg19) VCF-style: chr5-132223594-A-G.
Identifiers: ClinVar variation 3355064 (VCV003355064.1).